The following is an entry in ClinVar:

NM_001136131.3(APP):c.-49+165G>A

Gene: APP (amyloid beta precursor protein; minus strand). Cytogenetic location: 21q21.3.
Variant type: single nucleotide variant.
Coding change: c.-49+165G>A on transcript NM_001136131.3; 165 bases into the intron after 49 bases upstream of the start codon, G replaced by A.
Molecular consequence: intron variant.
Genome position (GRCh38, 1-based): chr21:26,170,820, C>T on the plus strand (G>A on the coding strand, the complement: APP is on the minus strand). VCF-style: chr21-26170820-C-T. GRCh37 (hg19) VCF-style: chr21-27543138-C-T.
Identifiers: ClinVar variation 339659 (VCV000339659.29), dbSNP rs200621906, ClinGen allele CA10650343.

ClinVar aggregate classification (germline): Likely benign (1 of 4 stars; one submission).

Allele frequency attached by ClinVar (database versions not stated): gnomAD exomes 0.00113; 1000 Genomes Project 30x 0.00109; TOPMed 0.00090; gnomAD 0.00095 and 0.00100; 1000 Genomes Project 0.00080.
gnomAD v4.1: 562 of 527,662 alleles (0.11%); highest among the groups gnomAD compares: Non-Finnish European, 0.15%; no homozygotes.

Submission:

CeGaT Center for Human Genetics Tuebingen
Classification: Likely benign. Last evaluated: 2023-01-01. Review status: criteria provided, single submitter. Criteria: CeGaT Center For Human Genetics Tuebingen Variant Classification Criteria Version 2. Collection method: clinical testing. Allele origin: germline. Affected: yes. Observed: 1 variant allele.
Comment: APP: BS1